The following is an entry in ClinVar:

ClinVar aggregate classification (germline): Likely benign (1 of 4 stars; one submission).

Allele frequency attached by ClinVar (database versions not stated): gnomAD 0.00074; ESP Exome Variant Server 0.00123; ExAC 0.00133; gnomAD exomes 0.00141; 1000 Genomes Project 30x 0.00333.

Submission:

CeGaT Center for Human Genetics Tuebingen
Classification: Likely benign. Last evaluated: 2022-10-01. Review status: criteria provided, single submitter. Criteria: CeGaT Center For Human Genetics Tuebingen Variant Classification Criteria Version 2. Collection method: clinical testing. Allele origin: germline. Affected: yes. Observed: 1 variant allele.
Comment: RHOXF2: BP4, BP7

NM_032498.3(RHOXF2):c.411C>T (p.Asn137=)

Gene: RHOXF2 (Rhox homeobox family member 2; plus strand). Cytogenetic location: Xq24.
Variant type: single nucleotide variant.
Coding change: c.411C>T on transcript NM_032498.3 (MANE Select); coding-DNA position 411, C replaced by T.
Protein change: p.Asn137=; no amino-acid change (asparagine 137 retained).
Molecular consequence: synonymous variant.
Genome position (GRCh38, 1-based): chrX:120,159,346, C>T. VCF-style: chrX-120159346-C-T. GRCh37 (hg19) VCF-style: chrX-119293252-C-T.
Identifiers: ClinVar variation 2661317 (VCV002661317.24), dbSNP rs142963365, ClinGen allele CA10504287.